The following is an entry in ClinVar:

NM_000159.4(GCDH):c.1002G>C (p.Lys334Asn)

Gene: GCDH (glutaryl-CoA dehydrogenase; plus strand). Cytogenetic location: 19p13.13.
Variant type: single nucleotide variant.
Coding change: c.1002G>C on transcript NM_000159.4 (MANE Select); coding-DNA position 1002, G replaced by C.
Protein change: p.Lys334Asn; replaces lysine 334 with asparagine.
Molecular consequence: missense variant. On other transcripts: non-coding transcript variant (2).
Genome position (GRCh38, 1-based): chr19:12,897,348, G>C. VCF-style: chr19-12897348-G-C. GRCh37 (hg19) VCF-style: chr19-13008162-G-C.
Other names: c.1002G>C, p.Lys334Asn (NM_013976.5); c.1002G>C (NM_000159.2); short protein forms K334N.
Identifiers: ClinVar variation 2732591 (VCV002732591.5), dbSNP rs376338666, ClinGen allele CA9234580.
Genomic context (GRCh38, chr19:12,897,348, plus strand): 5'-CCATTGCCCATGTAGGATGCAGTTTGGTGTCCCACTGGCCAGGAACCAGCTGATTCAGAA[G>C]AAGCTGGCAGACATGCTCACTGAGATTACCCTGGGCCTTCACGCCTGCCTGCAGCTCGGC-3'
Protein context (NP_000150.1, residues 324-344): VPLARNQLIQ[Lys334Asn]KLADMLTEIT

ClinVar aggregate classification (germline): Uncertain significance. Review status: criteria provided, multiple submitters, no conflicts (2 of 4 stars). 3 submissions from 3 submitters: Uncertain significance (3). Last evaluated 2026-08-16.

Conditions:
Glutaric aciduria, type 1. Also called: Glutaryl-CoA dehydrogenase deficiency; Glutaric acidemia type I; Glutaricacidemia Type 1; GA I; Glutaricaciduria, type I; Glutaric Acidemia Type 1. Identifiers: Orphanet 25, MedGen C0268595, MONDO:0009281, OMIM 231670.
Inborn genetic diseases. Identifiers: MedGen C0950123, MeSH D030342.

Allele frequency attached by ClinVar (database versions not stated): gnomAD exomes below 0.00001; TOPMed 0.00001; ESP Exome Variant Server 0.00008; gnomAD 0.00001; ExAC 0.00001.
gnomAD v4.1: 5 of 1,613,646 alleles (0.00031%); highest among the groups gnomAD compares: Non-Finnish European, 0.00042%; no homozygotes.

Submissions (3):

Ambry Genetics
Classification: Uncertain significance for Inborn genetic diseases. Last evaluated: 2026-08-16. Review status: criteria provided, single submitter. Criteria: Ambry Variant Classification Scheme 2023. Collection method: clinical testing. Allele origin: germline.
Comment: The p.K334N variant (also known as c.1002G>C), located in coding exon 9 of the GCDH gene, results from a G to C substitution at nucleotide position 1002. The lysine at codon 334 is replaced by asparagine, an amino acid with similar properties. This amino acid position is conserved. In addition, the in silico prediction for this alteration is inconclusive. Based on the available evidence, the clinical significance of this variant remains unclear.

GeneDx
Classification: Uncertain significance. Last evaluated: 2024-08-07. Review status: criteria provided, single submitter. Criteria: GeneDx Variant Classification Process June 2021. Collection method: clinical testing. Allele origin: germline. Affected: yes.
Comment: Not observed at significant frequency in large population cohorts (gnomAD); In silico analysis supports that this missense variant has a deleterious effect on protein structure/function; Has not been previously published as pathogenic or benign to our knowledge

Labcorp Genetics (formerly Invitae), Labcorp
Classification: Uncertain significance for Glutaric aciduria, type 1. Last evaluated: 2023-02-27. Review status: criteria provided, single submitter. Criteria: Invitae Variant Classification Sherloc (09022015). Collection method: clinical testing. Allele origin: germline.
Comment: In summary, the available evidence is currently insufficient to determine the role of this variant in disease. Therefore, it has been classified as a Variant of Uncertain Significance. This sequence change replaces lysine, which is basic and polar, with asparagine, which is neutral and polar, at codon 334 of the GCDH protein (p.Lys334Asn). This variant is present in population databases (rs376338666, gnomAD 0.002%). This missense change has been observed in individual(s) with a positive newborn screening result for GCDH-related disease (Invitae). Advanced modeling of protein sequence and biophysical properties (such as structural, functional, and spatial information, amino acid conservation, physicochemical variation, residue mobility, and thermodynamic stability) performed at Invitae indicates that this missense variant is not expected to disrupt GCDH protein function.